The following is an entry in ClinVar:

NM_130384.3(ATRIP):c.1961A>C (p.Gln654Pro)

Genes: ATRIP (ATR interacting protein; plus strand), ATRIP-TREX1 (ATRIP-TREX1 readthrough; plus strand). Cytogenetic location: 3p21.31.
Variant type: single nucleotide variant.
Coding change: c.1961A>C on transcript NM_130384.3 (MANE Select); coding-DNA position 1961, A replaced by C.
Protein change: p.Gln654Pro; replaces glutamine 654 with proline.
Molecular consequence: missense variant. On other transcripts: non-coding transcript variant (1).
Genome position (GRCh38, 1-based): chr3:48,464,119, A>C. VCF-style: chr3-48464119-A-C. GRCh37 (hg19) VCF-style: chr3-48505518-A-C.
Other names: c.1580A>C, p.Gln527Pro (NM_001271022.2); c.1682A>C, p.Gln561Pro (NM_001271023.2); c.1961A>C, p.Gln654Pro (NM_032166.4); short protein forms Q527P, Q561P, Q654P.
Identifiers: ClinVar variation 3809297 (VCV003809297.1).

ClinVar aggregate classification (germline): Uncertain significance (1 of 4 stars; one submission).

Submission:

Ambry Genetics
Classification: Uncertain significance. Last evaluated: 2024-12-25. Review status: criteria provided, single submitter. Criteria: Ambry Variant Classification Scheme 2023. Collection method: clinical testing. Allele origin: germline.
Comment: The p.Q654P variant (also known as c.1961A>C), located in coding exon 10 of the ATRIP gene, results from an A to C substitution at nucleotide position 1961. The glutamine at codon 654 is replaced by proline, an amino acid with similar properties. This amino acid position is conserved. In addition, the in silico prediction for this alteration is inconclusive. Based on the available evidence, the clinical significance of this variant remains unclear.